The following is an entry in ClinVar:

NM_000540.3(RYR1):c.1801G>T (p.Val601Leu)

Gene: RYR1 (ryanodine receptor 1; plus strand). Cytogenetic location: 19q13.2.
Variant type: single nucleotide variant.
Coding change: c.1801G>T on transcript NM_000540.3 (MANE Select); coding-DNA position 1801, G replaced by T.
Protein change: p.Val601Leu; replaces valine 601 with leucine.
Molecular consequence: missense variant.
Genome position (GRCh38, 1-based): chr19:38,457,506, G>T. VCF-style: chr19-38457506-G-T. GRCh37 (hg19) VCF-style: chr19-38948146-G-T.
Other names: c.1801G>T, p.Val601Leu (NM_001042723.2); short protein forms V601L.
Identifiers: ClinVar variation 2572905 (VCV002572905.1), dbSNP rs745511934, ClinGen allele CA062448.

ClinVar aggregate classification (germline): Uncertain significance (1 of 4 stars; one submission).

Allele frequency attached by ClinVar (database versions not stated): ExAC 0.00001.
gnomAD v4.1: 1 of 1,614,020 alleles (0.000062%); highest among the groups gnomAD compares: South Asian, 0.0011%; no homozygotes.

Submission:

GeneDx
Classification: Uncertain significance. Last evaluated: 2023-01-16. Review status: criteria provided, single submitter. Criteria: GeneDx Variant Classification Process June 2021. Collection method: clinical testing. Allele origin: germline. Affected: yes.
Comment: Not observed at significant frequency in large population cohorts (gnomAD); In silico analysis supports that this missense variant has a deleterious effect on protein structure/function; Has not been previously published as pathogenic or benign to our knowledge